The following is an entry in ClinVar:

ClinVar aggregate classification (germline): Benign (0 of 4 stars; one submission).

Conditions:
UBE3C-related disorder. Also called: UBE3C-related condition.

Allele frequency attached by ClinVar (database versions not stated): 1000 Genomes Project 0.02576; 1000 Genomes Project 30x 0.02764; ESP Exome Variant Server 0.05175.
gnomAD v4.1: 102,745 of 1,613,138 alleles (6.4%); highest among the groups gnomAD compares: Non-Finnish European, 7.5%; 3,637 homozygotes.

Submissions (7):

PreventionGenetics, part of Exact Sciences
Classification: Benign for UBE3C-related condition. Last evaluated: 2020-01-13. Review status: no assertion criteria provided. Collection method: clinical testing. Allele origin: germline.
Comment: This variant is classified as benign based on ACMG/AMP sequence variant interpretation guidelines (Richards et al. 2015 PMID: 25741868, with internal and published modifications).

Dr. Peter K. Rogan Lab, Western University
No classification provided (evidence only). Condition: Colon adenocarcinoma. Review status: no classification provided. Collection method: in vitro. Allele origin: not applicable. Functional consequence: retained intron. Not counted in ClinVar's aggregate classification.

Dr. Peter K. Rogan Lab, Western University
No classification provided (evidence only). Condition: Colon adenocarcinoma. Review status: no classification provided. Collection method: in vitro. Allele origin: not applicable. Functional consequence: retained intron. Not counted in ClinVar's aggregate classification.

Dr. Peter K. Rogan Lab, Western University
No classification provided (evidence only). Condition: Colon adenocarcinoma. Review status: no classification provided. Collection method: in vitro. Allele origin: not applicable. Functional consequence: retained intron. Not counted in ClinVar's aggregate classification.

Dr. Peter K. Rogan Lab, Western University
No classification provided (evidence only). Condition: Colon adenocarcinoma. Review status: no classification provided. Collection method: in vitro. Allele origin: not applicable. Functional consequence: retained intron. Not counted in ClinVar's aggregate classification.

Dr. Peter K. Rogan Lab, Western University
No classification provided (evidence only). Condition: Nonpapillary renal cell carcinoma. Review status: no classification provided. Collection method: in vitro. Allele origin: not applicable. Functional consequence: retained intron. Not counted in ClinVar's aggregate classification.

Dr. Peter K. Rogan Lab, Western University
No classification provided (evidence only). Condition: Cholangiocarcinoma. Review status: no classification provided. Collection method: in vitro. Allele origin: not applicable. Functional consequence: retained intron. Not counted in ClinVar's aggregate classification.

NM_014671.3(UBE3C):c.759G>A (p.Pro253=)

Gene: UBE3C (ubiquitin protein ligase E3C; plus strand). Cytogenetic location: 7q36.3.
Variant type: single nucleotide variant.
Coding change: c.759G>A on transcript NM_014671.3 (MANE Select); coding-DNA position 759, G replaced by A.
Protein change: p.Pro253=; no amino-acid change (proline 253 retained).
Molecular consequence: synonymous variant.
Genome position (GRCh38, 1-based): chr7:157,181,660, G>A. VCF-style: chr7-157181660-G-A. GRCh37 (hg19) VCF-style: chr7-156974354-G-A.
Other names: NC_000007.13:g.156974354G>A.
Identifiers: ClinVar variation 3056835 (VCV003056835.3), dbSNP rs17646047, ClinGen allele CA4589610.